The following is an entry in ClinVar:

ClinVar aggregate classification (germline): Uncertain significance (1 of 4 stars; one submission).

Conditions:
Familial focal epilepsy with variable foci (FPEVF). Identifiers: Orphanet 98820, MedGen C1858477, MONDO:0020310.

Allele frequency attached by ClinVar (database versions not stated): gnomAD exomes below 0.00001.
gnomAD v4.1: 1 of 1,614,118 alleles (0.000062%); highest among the groups gnomAD compares: East Asian, 0.0022%; no homozygotes.

Submission:

Labcorp Genetics (formerly Invitae), Labcorp
Classification: Uncertain significance for Familial focal epilepsy with variable foci. Last evaluated: 2022-08-09. Review status: criteria provided, single submitter. Criteria: Invitae Variant Classification Sherloc (09022015). Collection method: clinical testing. Allele origin: germline.
Comment: ClinVar contains an entry for this variant (Variation ID: 534790). This sequence change replaces methionine, which is neutral and non-polar, with valine, which is neutral and non-polar, at codon 808 of the DEPDC5 protein (p.Met808Val). This variant is not present in population databases (gnomAD no frequency). This variant has not been reported in the literature in individuals affected with DEPDC5-related conditions. In summary, the available evidence is currently insufficient to determine the role of this variant in disease. Therefore, it has been classified as a Variant of Uncertain Significance. Algorithms developed to predict the effect of missense changes on protein structure and function are either unavailable or do not agree on the potential impact of this missense change (SIFT: "Tolerated"; PolyPhen-2: "Not Available"; Align-GVGD: "Class C0").

NM_001242896.3(DEPDC5):c.2422A>G (p.Met808Val)

Gene: DEPDC5 (DEP domain containing 5, GATOR1 subcomplex subunit; plus strand). Cytogenetic location: 22q12.3.
Variant type: single nucleotide variant.
Coding change: c.2422A>G on transcript NM_001242896.3 (MANE Select); coding-DNA position 2422, A replaced by G.
Protein change: p.Met808Val; replaces methionine 808 with valine.
Molecular consequence: missense variant. On other transcripts: non-coding transcript variant (5).
Genome position (GRCh38, 1-based): chr22:31,838,752, A>G. VCF-style: chr22-31838752-A-G. GRCh37 (hg19) VCF-style: chr22-32234738-A-G.
Other names: c.2395A>G, p.Met799Val (NM_001136029.4, NM_001369903.1, NM_014662.6); c.2188A>G, p.Met730Val (NM_001242897.2, NM_001363854.2, NM_001364319.2); c.2422A>G, p.Met808Val (NM_001363852.2, NM_001364318.2, NM_001364320.2); c.2338A>G, p.Met780Val (NM_001369901.1, NM_001369902.1); short protein forms M808V, M730V, M799V, M780V.
Identifiers: ClinVar variation 534790 (VCV000534790.10), dbSNP rs1555897260, ClinGen allele CA411286593.